The following is an entry in ClinVar:

ClinVar aggregate classification (germline): Uncertain significance (1 of 4 stars; one submission).

Submission:

Labcorp Genetics (formerly Invitae), Labcorp
Classification: Uncertain significance. Last evaluated: 2025-08-02. Review status: criteria provided, single submitter. Criteria: Invitae Variant Classification Sherloc (09022015). Collection method: clinical testing. Allele origin: germline.
Comment: This sequence change replaces methionine, which is neutral and non-polar, with isoleucine, which is neutral and non-polar, at codon 829 of the KANK2 protein (p.Met829Ile). This variant is not present in population databases (gnomAD no frequency). This variant has not been reported in the literature in individuals affected with KANK2-related conditions. An algorithm developed to predict the effect of missense changes on protein structure and function (PolyPhen-2) suggests that this variant is likely to be tolerated. In summary, the available evidence is currently insufficient to determine the role of this variant in disease. Therefore, it has been classified as a Variant of Uncertain Significance.

NM_001136191.3(KANK2):c.2487G>A (p.Met829Ile)

Gene: KANK2 (KN motif and ankyrin repeat domains 2; minus strand). Cytogenetic location: 19p13.2.
Variant type: single nucleotide variant.
Coding change: c.2487G>A on transcript NM_001136191.3 (MANE Select); coding-DNA position 2487, G replaced by A.
Protein change: p.Met829Ile; replaces methionine 829 with isoleucine.
Molecular consequence: missense variant.
Genome position (GRCh38, 1-based): chr19:11,169,892, C>T on the plus strand (G>A on the coding strand, the complement: KANK2 is on the minus strand). VCF-style: chr19-11169892-C-T. GRCh37 (hg19) VCF-style: chr19-11280568-C-T.
Other names: c.2487G>A, p.Met829Ile (NM_001329451.2, NM_001379555.1, NM_001379556.1 and 7 more transcripts); c.2511G>A, p.Met837Ile (NM_001379548.1, NM_001379549.1, NM_001379550.1 and 5 more transcripts); short protein forms M837I, M829I.
Identifiers: ClinVar variation 4710056 (VCV004710056.1).